The following is an entry in ClinVar:

NM_001291303.3(FAT4):c.2994A>G (p.Gln998=)

Gene: FAT4 (FAT atypical cadherin 4; plus strand). Cytogenetic location: 4q28.1.
Variant type: single nucleotide variant.
Coding change: c.2994A>G on transcript NM_001291303.3 (MANE Select); coding-DNA position 2994, A replaced by G.
Protein change: p.Gln998=; no amino-acid change (glutamine 998 retained).
Molecular consequence: synonymous variant.
Genome position (GRCh38, 1-based): chr4:125,319,405, A>G. VCF-style: chr4-125319405-A-G. GRCh37 (hg19) VCF-style: chr4-126240560-A-G.
Other names: c.2994A>G, p.Gln998= (NM_001291285.3, NM_024582.6).
Identifiers: ClinVar variation 3038297 (VCV003038297.2), dbSNP rs1034387310, ClinGen allele CA441367498.

ClinVar aggregate classification (germline): Likely benign (0 of 4 stars; one submission).

Conditions:
FAT4-related disorder. Also called: FAT4-related condition.

Submission:

PreventionGenetics, part of Exact Sciences
Classification: Likely benign for FAT4-related condition. Last evaluated: 2019-04-30. Review status: no assertion criteria provided. Collection method: clinical testing. Allele origin: germline.
Comment: This variant is classified as likely benign based on ACMG/AMP sequence variant interpretation guidelines (Richards et al. 2015 PMID: 25741868, with internal and published modifications).